The following is an entry in ClinVar:

NM_015599.3(PGM3):c.1424C>T (p.Pro475Leu)

Genes: DOP1A (DOP1 leucine zipper like protein A; plus strand), PGM3 (phosphoglucomutase 3; minus strand). Cytogenetic location: 6q14.1.
Variant type: single nucleotide variant.
Coding change: c.1424C>T on transcript NM_015599.3 (MANE Select); coding-DNA position 1424, C replaced by T.
Protein change: p.Pro475Leu; replaces proline 475 with leucine.
Molecular consequence: missense variant. On other transcripts: non-coding transcript variant (2).
Genome position (GRCh38, 1-based): chr6:83,170,420, G>A on the plus strand (C>T on the coding strand, the complement: PGM3 is on the minus strand). VCF-style: chr6-83170420-G-A. GRCh37 (hg19) VCF-style: chr6-83880139-G-A.
Other names: c.1508C>T, p.Pro503Leu (NM_001199917.2, NM_001367287.1); c.1181C>T, p.Pro394Leu (NM_001199918.2); c.1424C>T, p.Pro475Leu (NM_001199919.2); c.1301C>T, p.Pro434Leu (NM_001367286.1); short protein forms P434L, P503L, P394L, P475L.
Identifiers: ClinVar variation 3701958 (VCV003701958.2).

ClinVar aggregate classification (germline): Uncertain significance (1 of 4 stars; one submission).

Conditions:
Immunodeficiency 23 (IMD23). Also called: IMMUNODEFICIENCY WITH HYPER IgE AND COGNITIVE IMPAIRMENT; IMMUNODEFICIENCY-VASCULITIS-MYOCLONUS SYNDROME. Identifiers: Orphanet 443811, MedGen C4014371, MONDO:0014353, OMIM 615816.

gnomAD v4.1: 1 of 1,613,968 alleles (0.000062%); highest among the groups gnomAD compares: East Asian, 0.0022%; no homozygotes.

Submission:

Labcorp Genetics (formerly Invitae), Labcorp
Classification: Uncertain significance for Immunodeficiency 23. Last evaluated: 2024-12-24. Review status: criteria provided, single submitter. Criteria: Invitae Variant Classification Sherloc (09022015). Collection method: clinical testing. Allele origin: germline.
Comment: This sequence change replaces proline, which is neutral and non-polar, with leucine, which is neutral and non-polar, at codon 503 of the PGM3 protein (p.Pro503Leu). This variant is not present in population databases (gnomAD no frequency). This variant has not been reported in the literature in individuals affected with PGM3-related conditions. An algorithm developed to predict the effect of missense changes on protein structure and function outputs the following: PolyPhen-2: "Benign". The leucine amino acid residue is found in multiple mammalian species, which suggests that this missense change does not adversely affect protein function. In summary, the available evidence is currently insufficient to determine the role of this variant in disease. Therefore, it has been classified as a Variant of Uncertain Significance.